The following is an entry in ClinVar:

ClinVar aggregate classification (germline): Pathogenic (1 of 4 stars; one submission).

Conditions:
LAMA2-related muscular dystrophy (LAMA2-RD). Also called: Laminin alpha 2-related dystrophy. Identifiers: MedGen C5679788, MONDO:0100228.

Submission:

Myriad Genetics, Inc.
Classification: Pathogenic for LAMA2-related muscular dystrophy. Last evaluated: 2026-03-19. Review status: criteria provided, single submitter. Criteria: Myriad Autosomal Dominant, Autosomal Recessive and X-Linked Classification Criteria (2023). Collection method: clinical testing. Allele origin: unknown.
Comment: NM_000426.3(LAMA2):c.2039dupA(N680Kfs*25) is expected to be pathogenic in the context of muscular dystrophy, LAMA2-related. This variant is predicted to lead to an abnormal or absent protein product due to the creation of a premature termination codon in LAMA2, a gene where loss-of-function variants are known to be pathogenic. Please note: this variant was assessed in the context of healthy population screening.

NM_000426.4(LAMA2):c.2039dup (p.Asn680fs)

Gene: LAMA2 (laminin subunit alpha 2; plus strand). Cytogenetic location: 6q22.33.
Variant type: Duplication.
Coding change: c.2039dup on transcript NM_000426.4 (MANE Select); coding-DNA position 2039, one base duplicated (A; older notation c.2039dupA).
Protein change: p.Asn680fs; shifts the reading frame from asparagine 680.
Molecular consequence: frameshift variant.
Genome position (GRCh38, 1-based): chr6:129,252,238, A duplicated; the last of 2 consecutive A bases (chr6:129,252,237-129,252,238); duplicating either gives the same sequence. VCF-style (leftmost placement, unchanged base first): chr6-129252236-G-GA. GRCh37 (hg19) VCF-style: chr6-129573381-G-GA.
Other names: c.2039dup, p.Asn680fs (NM_001079823.2); short protein forms N680fs.
Identifiers: ClinVar variation 5015699 (VCV005015699.1).